The following is an entry in ClinVar:

NM_001142416.2(AIMP1):c.82C>T (p.Gln28Ter)

Gene: AIMP1 (aminoacyl tRNA synthetase complex interacting multifunctional protein 1; plus strand). Cytogenetic location: 4q24.
Variant type: single nucleotide variant.
Coding change: c.82C>T on transcript NM_001142416.2 (MANE Select); coding-DNA position 82, C replaced by T.
Protein change: p.Gln28Ter; replaces glutamine 28 with a stop codon.
Molecular consequence: nonsense.
Genome position (GRCh38, 1-based): chr4:106,325,091, C>T. VCF-style: chr4-106325091-C-T. GRCh37 (hg19) VCF-style: chr4-107246248-C-T.
Other names: c.82C>T, p.Gln28Ter (NM_001142415.2, NM_004757.4); short protein forms Q28*.
Identifiers: ClinVar variation 1172642 (VCV001172642.1), dbSNP rs2125920882, ClinGen allele CA357972523.

ClinVar aggregate classification (germline): Pathogenic (1 of 4 stars; one submission).

Conditions:
Hypotonia. Also called: Muscular hypotonia; poor muscle tone. Identifiers: MedGen C0026827, HP:0001252.

gnomAD v4.1: 1 of 1,612,424 alleles (0.000062%); highest among the groups gnomAD compares: South Asian, 0.0011%; no homozygotes.

Submission:

Equipe Genetique des Anomalies du Developpement, Université de Bourgogne
Classification: Pathogenic for Hypotonia. Review status: criteria provided, single submitter. Criteria: ACMG Guidelines, 2015. Collection method: clinical testing. Allele origin: inherited. Affected: yes.